The following is an entry in ClinVar:

ClinVar aggregate classification (germline): Uncertain significance (1 of 4 stars; one submission).

Submission:

GeneDx
Classification: Uncertain significance. Last evaluated: 2023-09-26. Review status: criteria provided, single submitter. Criteria: GeneDx Variant Classification Process June 2021. Collection method: clinical testing. Allele origin: germline. Affected: yes.
Comment: Not observed at significant frequency in large population cohorts (gnomAD); Normal stop codon changed to a Trp codon, leading to the addition of 3 amino acids at the C-terminus; Has not been previously published as pathogenic or benign to our knowledge

NM_004333.6(BRAF):c.2301A>G (p.Ter767Trp)

Gene: BRAF (B-Raf proto-oncogene, serine/threonine kinase; minus strand). Cytogenetic location: 7q34.
Variant type: single nucleotide variant.
Coding change: c.2301A>G on transcript NM_004333.6 (MANE Select); coding-DNA position 2301, A replaced by G.
Protein change: p.Ter767Trp.
Molecular consequence: stop lost. On other transcripts: intron variant (9).
Genome position (GRCh38, 1-based): chr7:140,734,597, T>C on the plus strand (A>G on the coding strand, the complement: BRAF is on the minus strand). VCF-style: chr7-140734597-T-C. GRCh37 (hg19) VCF-style: chr7-140434397-T-C.
Other names: c.2421A>G, p.Ter807Trp (NM_001374244.1); c.2235A>G, p.Ter745Trp (NM_001378469.1); c.2145A>G, p.Ter715Trp (NM_001378473.1); c.2127+5215A>G (NM_001378474.1, NM_001378468.1); c.2179+20A>G (NM_001378470.1); c.2017+20A>G (NM_001378475.1); c.2170+20A>G (NM_001378471.1); c.2281+20A>G (NM_001354609.2); and 3 more.
Identifiers: ClinVar variation 3338721 (VCV003338721.1).